The following is an entry in ClinVar:

ClinVar aggregate classification (germline): Uncertain significance (1 of 4 stars; one submission).

Allele frequency attached by ClinVar (database versions not stated): TOPMed 0.00003; gnomAD 0.00006; ExAC 0.00010; gnomAD exomes 0.00011; ESP Exome Variant Server 0.00023.
gnomAD v4.1: 96 of 1,613,934 alleles (0.0059%); highest among the groups gnomAD compares: East Asian, 0.029%; no homozygotes.

Submission:

Labcorp Genetics (formerly Invitae), Labcorp
Classification: Uncertain significance. Last evaluated: 2026-01-05. Review status: criteria provided, single submitter. Criteria: Invitae Variant Classification Sherloc (09022015). Collection method: clinical testing. Allele origin: germline.
Comment: This sequence change replaces asparagine, which is neutral and polar, with serine, which is neutral and polar, at codon 1269 of the POLR3A protein (p.Asn1269Ser). This variant is present in population databases (rs144111066, gnomAD 0.07%). This variant has not been reported in the literature in individuals affected with POLR3A-related conditions. ClinVar contains an entry for this variant (Variation ID: 1402510). Invitae Evidence Modeling of protein sequence and biophysical properties (such as structural, functional, and spatial information, amino acid conservation, physicochemical variation, residue mobility, and thermodynamic stability) indicates that this missense variant is not expected to disrupt POLR3A protein function with a negative predictive value of 80%. In summary, the available evidence is currently insufficient to determine the role of this variant in disease. Therefore, it has been classified as a Variant of Uncertain Significance.

NM_007055.4(POLR3A):c.3806A>G (p.Asn1269Ser)

Gene: POLR3A (RNA polymerase III subunit A; minus strand). Cytogenetic location: 10q22.3.
Variant type: single nucleotide variant.
Coding change: c.3806A>G on transcript NM_007055.4 (MANE Select); coding-DNA position 3806, A replaced by G.
Protein change: p.Asn1269Ser; replaces asparagine 1269 with serine.
Molecular consequence: missense variant.
Genome position (GRCh38, 1-based): chr10:77,981,513, T>C on the plus strand (A>G on the coding strand, the complement: POLR3A is on the minus strand). VCF-style: chr10-77981513-T-C. GRCh37 (hg19) VCF-style: chr10-79741271-T-C.
Other names: short protein forms N1269S.
Identifiers: ClinVar variation 1402510 (VCV001402510.5), dbSNP rs144111066, ClinGen allele CA5570689.